The following is an entry in ClinVar:

NM_000248.4(MITF):c.3G>A (p.Met1Ile)

Genes: MITF (melanocyte inducing transcription factor; plus strand), LOC107988030 (MITF-M promoter region; plus strand). Cytogenetic location: 3p13.
Variant type: single nucleotide variant.
Coding change: c.3G>A on transcript NM_000248.4 (MANE Plus Clinical); coding-DNA position 3, G replaced by A.
Protein change: p.Met1Ile; changes the start codon (methionine 1).
Molecular consequence: missense variant, initiator codon variant. On other transcripts: intron variant (9).
Genome position (GRCh38, 1-based): chr3:69,936,725, G>A. VCF-style: chr3-69936725-G-A. GRCh37 (hg19) VCF-style: chr3-69985876-G-A.
Other names: c.3G>A, p.Met1Ile (NM_001184968.2, NM_198158.3, NM_198178.3); c.304-1097G>A (NM_001354607.2); c.199-1097G>A (NM_001354608.2, NM_001184967.2); c.355-1097G>A (NM_001354604.2, NM_198159.3); c.352-1097G>A (NM_001354605.2, NM_001354606.2, NM_006722.3); c.307-1097G>A (NM_198177.3); short protein forms M1I.
Identifiers: ClinVar variation 2200851 (VCV002200851.5), dbSNP rs1449964136, ClinGen allele CA353560158.
Genomic context (GRCh38, chr3:69,936,725, plus strand): 5'-GTAGAGGGAGGGATAGTCTACCGTCTCTCACTGGATTGGTGCCACCTAAAACATTGTTAT[G>A]CTGGAAATGCTAGAATATAATCACTATCAGGTGAGATTTATTCTGACTCATATTCAGTCT-3'
Protein context (NP_000239.1, residues 1-11): [Met1Ile]LEMLEYNHYQ

ClinVar aggregate classification (germline): Uncertain significance. Review status: criteria provided, multiple submitters, no conflicts (2 of 4 stars). 2 submissions from 2 submitters: Uncertain significance (2). Last evaluated 2025-10-14.

Conditions:
Tietz syndrome (TADS). Also called: TIETZ ALBINISM-DEAFNESS SYNDROME; HYPOPIGMENTATION/DEAFNESS OF TIETZ; ALBINISM-DEAFNESS OF TIETZ. Identifiers: Orphanet 42665, MedGen C0391816, MONDO:0007077, OMIM 103500.
Waardenburg syndrome type 2A (WS2A). Also called: WAARDENBURG SYNDROME WITHOUT DYSTOPIA CANTHORUM. Identifiers: Orphanet 3440, MedGen C1860339, MONDO:0008671, OMIM 193510.
Melanoma, cutaneous malignant, susceptibility to, 8. Also called: MELANOMA AND RENAL CELL CARCINOMA, SUSCEPTIBILITY TO; Cutaneous malignant melanoma 8. Identifiers: Orphanet 293822, MedGen C3152204, MONDO:0013759, OMIM 614456.

Allele frequency attached by ClinVar (database versions not stated): gnomAD exomes below 0.00001.
gnomAD v4.1: 3 of 1,613,464 alleles (0.00019%); highest among the groups gnomAD compares: East Asian, 0.0022%; no homozygotes.

Submissions (2):

Labcorp Genetics (formerly Invitae), Labcorp
Classification: Uncertain significance for Melanoma, cutaneous malignant, susceptibility to, 8; Waardenburg syndrome type 2A; Tietz syndrome. Last evaluated: 2025-10-14. Review status: criteria provided, single submitter. Criteria: Invitae Variant Classification Sherloc (09022015). Collection method: clinical testing. Allele origin: germline.
Comment: This sequence change affects the initiator codon of the MITF mRNA. This change may impact translation initiation or efficiency. The next in-frame methionine is located at codon 4. This variant is present in population databases (no rsID available, gnomAD 0.0008%). This variant has not been reported in the literature in individuals affected with MITF-related conditions. ClinVar contains an entry for this variant (Variation ID: 2200851). Experimental studies and prediction algorithms are not available or were not evaluated, and the functional significance of this variant is currently unknown. In summary, the available evidence is currently insufficient to determine the role of this variant in disease. Therefore, it has been classified as a Variant of Uncertain Significance.

GeneDx
Classification: Uncertain significance. Last evaluated: 2024-03-21. Review status: criteria provided, single submitter. Criteria: GeneDx Variant Classification Process June 2021. Collection method: clinical testing. Allele origin: germline. Affected: yes.
Comment: Has not been previously published as pathogenic or benign to our knowledge; This variant is associated with the following publications: (PMID: 22012259)